The following is an entry in ClinVar:

ClinVar aggregate classification (germline): Uncertain significance (1 of 4 stars; one submission).

Conditions:
Microcephaly, normal intelligence and immunodeficiency (NBS). Also called: IMMUNODEFICIENCY, MICROCEPHALY, AND CHROMOSOMAL INSTABILITY; Immunodeficiency, microcephaly with normal intelligence; SEEMANOVA SYNDROME II; Ataxia telangiectasia variant V1; Microcephaly with normal intelligence immunodeficiency and lymphoreticular malignancies; Nonsyndromal microcephaly autosomal recessive with normal intelligence. Identifiers: Orphanet 647, MedGen C0398791, MONDO:0009623, OMIM 251260.

Submission:

Labcorp Genetics (formerly Invitae), Labcorp
Classification: Uncertain significance for Microcephaly, normal intelligence and immunodeficiency. Last evaluated: 2025-07-31. Review status: criteria provided, single submitter. Criteria: Invitae Variant Classification Sherloc (09022015). Collection method: clinical testing. Allele origin: germline.
Comment: This sequence change replaces glutamic acid, which is acidic and polar, with valine, which is neutral and non-polar, at codon 81 of the NBN protein (p.Glu81Val). This variant is not present in population databases (gnomAD no frequency). This variant has not been reported in the literature in individuals affected with NBN-related conditions. ClinVar contains an entry for this variant (Variation ID: 1358637). An algorithm developed to predict the effect of missense changes on protein structure and function (PolyPhen-2) suggests that this variant is likely to be tolerated. In summary, the available evidence is currently insufficient to determine the role of this variant in disease. Therefore, it has been classified as a Variant of Uncertain Significance.

NM_002485.5(NBN):c.242A>T (p.Glu81Val)

Gene: NBN (nibrin; minus strand). Cytogenetic location: 8q21.3.
Variant type: single nucleotide variant.
Coding change: c.242A>T on transcript NM_002485.5 (MANE Select); coding-DNA position 242, A replaced by T.
Protein change: p.Glu81Val; replaces glutamic acid 81 with valine.
Molecular consequence: missense variant. On other transcripts: 5 prime UTR variant (1).
Genome position (GRCh38, 1-based): chr8:89,981,453, T>A on the plus strand (A>T on the coding strand, the complement: NBN is on the minus strand). VCF-style: chr8-89981453-T-A. GRCh37 (hg19) VCF-style: chr8-90993681-T-A.
Other names: c.-5A>T (NM_001024688.3); short protein forms E81V.
Identifiers: ClinVar variation 1358637 (VCV001358637.8), dbSNP rs786202085, ClinGen allele CA371662496.
Genomic context (GRCh38, chr8:89,981,453, plus strand): 5'-ACTCCAAAAGTAATACCATCCCCCGACTTCAAAGTTCGGGAAAAGCCATTCTGCATTTTT[T>A]CCTCATTAACAAAGGTACCATACTTAGAATTATCTTTTAATGTCAATACAGGGATTTCAT-3'
Protein context (NP_002476.2, residues 71-91): NSKYGTFVNE[Glu81Val]KMQNGFSRTL